The following is an entry in ClinVar:

NM_001166114.2(PNPLA6):c.3709T>C (p.Tyr1237His)

Gene: PNPLA6 (patatin like domain 6, lysophospholipase; plus strand). Cytogenetic location: 19p13.2.
Variant type: single nucleotide variant.
Coding change: c.3709T>C on transcript NM_001166114.2 (MANE Select); coding-DNA position 3709, T replaced by C.
Protein change: p.Tyr1237His; replaces tyrosine 1237 with histidine.
Molecular consequence: missense variant.
Genome position (GRCh38, 1-based): chr19:7,560,657, T>C. VCF-style: chr19-7560657-T-C. GRCh37 (hg19) VCF-style: chr19-7625543-T-C.
Other names: c.3739T>C, p.Tyr1247His (NM_001166111.2); c.3514T>C, p.Tyr1172His (NM_001166112.2); c.3595T>C, p.Tyr1199His (NM_001166113.1, NM_006702.5); short protein forms Y1247H, Y1172H, Y1199H, Y1237H.
Identifiers: ClinVar variation 1388009 (VCV001388009.8), dbSNP rs2146121420, ClinGen allele CA403137347.

ClinVar aggregate classification (germline): Uncertain significance (1 of 4 stars; one submission).

Conditions:
Hereditary spastic paraplegia 39 (SPG39). Also called: SPASTIC PARAPLEGIA 39, AUTOSOMAL RECESSIVE; Spastic Paraplegia Type 39 (SPG39). Identifiers: Orphanet 139480, MedGen C2677586, MONDO:0012787, OMIM 612020.

Submission:

Labcorp Genetics (formerly Invitae), Labcorp
Classification: Uncertain significance for Hereditary spastic paraplegia 39. Last evaluated: 2020-11-11. Review status: criteria provided, single submitter. Criteria: Invitae Variant Classification Sherloc (09022015). Collection method: clinical testing. Allele origin: germline.
Comment: In summary, the available evidence is currently insufficient to determine the role of this variant in disease. Therefore, it has been classified as a Variant of Uncertain Significance. This sequence change replaces tyrosine with histidine at codon 1199 of the PNPLA6 protein (p.Tyr1199His). The tyrosine residue is moderately conserved and there is a moderate physicochemical difference between tyrosine and histidine. Algorithms developed to predict the effect of missense changes on protein structure and function (SIFT, PolyPhen-2, Align-GVGD) all suggest that this variant is likely to be tolerated, but these predictions have not been confirmed by published functional studies and their clinical significance is uncertain. This variant has not been reported in the literature in individuals with PNPLA6-related conditions. This variant is not present in population databases (ExAC no frequency).